The following is an entry in ClinVar:

ClinVar aggregate classification (germline): Uncertain significance (1 of 4 stars; one submission).

Conditions:
Paediatric disorders.

gnomAD v4.1: 2 of 1,614,000 alleles (0.00012%); highest among the groups gnomAD compares: Non-Finnish European, 0.00017%; no homozygotes.

Submission:

North West Genomic Laboratory Hub, Manchester University NHS Foundation Trust
Classification: Uncertain significance for Paediatric disorders. Last evaluated: 2026-05-04. Review status: criteria provided, single submitter. Criteria: ACGS Best Practice Guidelines for Variant Classification in Rare Disease 2024. Collection method: clinical testing. Allele origin: germline. Affected: yes.
Comment: BP4_Supp PM2_Mod

NM_001170629.2(CHD8):c.6646C>T (p.Pro2216Ser)

Gene: CHD8 (chromodomain helicase DNA binding protein 8; minus strand). Cytogenetic location: 14q11.2.
Variant type: single nucleotide variant.
Coding change: c.6646C>T on transcript NM_001170629.2 (MANE Select); coding-DNA position 6646, C replaced by T.
Protein change: p.Pro2216Ser; replaces proline 2216 with serine.
Molecular consequence: missense variant.
Genome position (GRCh38, 1-based): chr14:21,392,632, G>A on the plus strand (C>T on the coding strand, the complement: CHD8 is on the minus strand). VCF-style: chr14-21392632-G-A. GRCh37 (hg19) VCF-style: chr14-21860791-G-A.
Other names: c.5809C>T, p.Pro1937Ser (NM_020920.4); short protein forms P1937S, P2216S.
Identifiers: ClinVar variation 4851478 (VCV004851478.1).